The following is an entry in ClinVar:

ClinVar aggregate classification (germline): Conflicting classifications of pathogenicity. Review status: criteria provided, conflicting classifications (1 of 4 stars). 4 submissions from 4 submitters: Pathogenic (1); Uncertain significance (3). Last evaluated 2025-06-05.

Conditions:
Hereditary cancer-predisposing syndrome. Also called: Hereditary neoplastic syndrome; Tumor predisposition; Neoplastic Syndromes, Hereditary; Hereditary Cancer Syndrome. Identifiers: Orphanet 140162, MedGen C0027672, MeSH D009386, MONDO:0015356.
Inherited breast cancer and ovarian cancer.
Familial cancer of breast. Also called: Hereditary breast cancer; BREAST CANCER, FAMILIAL; hereditary breast carcinoma. Identifiers: Orphanet 227535, MedGen C0346153, MONDO:0016419, OMIM 114480. Disease mechanism: loss of function.

gnomAD v4.1: 1 of 1,613,300 alleles (0.000062%); no homozygotes.

Submissions (4):

NHS Central & South Genomic Laboratory Hub
Classification: Pathogenic for Inherited breast cancer and ovarian cancer. Last evaluated: 2025-06-05. Review status: criteria provided, single submitter. Criteria: ACMG Guidelines, 2015. Collection method: clinical testing. Allele origin: germline. Affected: yes.

Ambry Genetics
Classification: Uncertain significance for Hereditary cancer-predisposing syndrome. Last evaluated: 2025-01-30. Review status: criteria provided, single submitter. Criteria: Ambry Variant Classification Scheme 2023. Collection method: clinical testing. Allele origin: germline.
Comment: The p.S372C variant (also known as c.1115C>G), located in coding exon 10 of the CHEK2 gene, results from a C to G substitution at nucleotide position 1115. The serine at codon 372 is replaced by cysteine, an amino acid with dissimilar properties. This amino acid position is highly conserved in available vertebrate species. In addition, this alteration is predicted to be deleterious by in silico analysis. Based on the available evidence, the clinical significance of this variant remains unclear.

Labcorp Genetics (formerly Invitae), Labcorp
Classification: Uncertain significance for Familial cancer of breast. Last evaluated: 2023-10-15. Review status: criteria provided, single submitter. Criteria: Invitae Variant Classification Sherloc (09022015). Collection method: clinical testing. Allele origin: germline.
Comment: This sequence change replaces serine, which is neutral and polar, with cysteine, which is neutral and slightly polar, at codon 372 of the CHEK2 protein (p.Ser372Cys). This variant is not present in population databases (gnomAD no frequency). This variant has not been reported in the literature in individuals affected with CHEK2-related conditions. ClinVar contains an entry for this variant (Variation ID: 418130). An algorithm developed to predict the effect of missense changes on protein structure and function (PolyPhen-2) suggests that this variant is likely to be disruptive. In summary, the available evidence is currently insufficient to determine the role of this variant in disease. Therefore, it has been classified as a Variant of Uncertain Significance.

GeneDx
Classification: Uncertain significance. Last evaluated: 2014-10-13. Review status: criteria provided, single submitter. Criteria: GeneDx Variant Classification (06012015). Collection method: clinical testing. Allele origin: germline. Affected: yes.
Comment: This variant is denoted CHEK2 c.1115C>G at the cDNA level, p.Ser372Cys (S372C) at the protein level, and results in the change of a Serine to a Cysteine (TCC>TGC). This variant has not, to our knowledge, been published in the literature as pathogenic or benign. CHEK2 Ser372Cys was not observed in approximately 6,500 individuals of European and African American ancestry in the NHLBI Exome Sequencing Project, indicating it is not a common benign variant in these populations. Since Serine and Cysteine differ in polarity, charge, size or other properties, this is considered a non-conservative amino acid substitution. CHEK2 Ser372Cys occurs at a position that is highly conserved across species and is located in the protein kinase domain (Roeb 2012). In silico analyses predict that this variant is probably damaging to protein structure and function. Based on currently available information, it is unclear whether CHEK2 Ser372Cys is pathogenic or benign. We consider it to be a variant of uncertain significance.

NM_007194.4(CHEK2):c.1115C>G (p.Ser372Cys)

Gene: CHEK2 (checkpoint kinase 2; minus strand). Cytogenetic location: 22q12.1.
Variant type: single nucleotide variant.
Coding change: c.1115C>G on transcript NM_007194.4 (MANE Select); coding-DNA position 1115, C replaced by G.
Protein change: p.Ser372Cys; replaces serine 372 with cysteine.
Molecular consequence: missense variant.
Genome position (GRCh38, 1-based): chr22:28,695,854, G>C on the plus strand (C>G on the coding strand, the complement: CHEK2 is on the minus strand). VCF-style: chr22-28695854-G-C. GRCh37 (hg19) VCF-style: chr22-29091842-G-C.
Other names: c.1244C>G, p.Ser415Cys (NM_001005735.3); c.452C>G, p.Ser151Cys (NM_001257387.3); c.914C>G, p.Ser305Cys (NM_001349956.3); c.1028C>G, p.Ser343Cys (NM_145862.3); short protein forms S372C, S415C, S151C, S343C, S305C.
Identifiers: ClinVar variation 418130 (VCV000418130.16), dbSNP rs147877722, ClinGen allele CA16621057.